The following is an entry in ClinVar:

ClinVar aggregate classification (germline): Uncertain significance (1 of 4 stars; one submission).

Conditions:
Developmental and epileptic encephalopathy, 25 (DEE25). Also called: Epileptic encephalopathy, early infantile, 25; Epileptic encephalopathy, early infantile, 25, with amelogenesis imperfecta; Developmental and epileptic encephalopathy 25, with amelogenesis imperfecta. Identifiers: Orphanet 442835, MedGen C4014621, MONDO:0014392, OMIM 615905.

Submission:

Labcorp Genetics (formerly Invitae), Labcorp
Classification: Uncertain significance for Developmental and epileptic encephalopathy, 25. Last evaluated: 2021-02-04. Review status: criteria provided, single submitter. Criteria: Invitae Variant Classification Sherloc (09022015). Collection method: clinical testing. Allele origin: germline.
Comment: Algorithms developed to predict the effect of missense changes on protein structure and function are either unavailable or do not agree on the potential impact of this missense change (SIFT: "Deleterious"; PolyPhen-2: "Benign"; Align-GVGD: "Class C0"). This variant has not been reported in the literature in individuals with SLC13A5-related conditions. This variant is not present in population databases (ExAC no frequency). This sequence change replaces glutamic acid with glycine at codon 239 of the SLC13A5 protein (p.Glu239Gly). The glutamic acid residue is weakly conserved and there is a moderate physicochemical difference between glutamic acid and glycine. Algorithms developed to predict the effect of sequence changes on RNA splicing suggest that this variant may create or strengthen a splice site, but this prediction has not been confirmed by published transcriptional studies. In summary, the available evidence is currently insufficient to determine the role of this variant in disease. Therefore, it has been classified as a Variant of Uncertain Significance.

NM_177550.5(SLC13A5):c.716A>G (p.Glu239Gly)

Gene: SLC13A5 (solute carrier family 13 member 5; minus strand). Cytogenetic location: 17p13.1.
Variant type: single nucleotide variant.
Coding change: c.716A>G on transcript NM_177550.5 (MANE Select); coding-DNA position 716, A replaced by G.
Protein change: p.Glu239Gly; replaces glutamic acid 239 with glycine.
Molecular consequence: missense variant.
Genome position (GRCh38, 1-based): chr17:6,702,970, T>C on the plus strand (A>G on the coding strand, the complement: SLC13A5 is on the minus strand). VCF-style: chr17-6702970-T-C. GRCh37 (hg19) VCF-style: chr17-6606289-T-C.
Other names: c.716A>G, p.Glu239Gly (NM_001143838.3); c.665A>G, p.Glu222Gly (NM_001284509.2); c.587A>G, p.Glu196Gly (NM_001284510.2); short protein forms E196G, E222G, E239G.
Identifiers: ClinVar variation 1021298 (VCV001021298.9), dbSNP rs1973754222, ClinGen allele CA397748495.
Genomic context (GRCh38, chr17:6,702,970, plus strand): 5'-AGGTCCCTCCAGCCCCGGTACCCACTTCGTTGTCCCCAGAAGGTGCGACCAAGGACTCAC[T>C]CGTTCATCTGGCCCAGGAGCACCACGTTGGGTCCCGTCCCGGTCAGGGTGGCGGTGCCCC-3'
Protein context (NP_808218.1, residues 229-249): PNVVLLGQMN[Glu239Gly]LFPDSKDLVN